The following is an entry in ClinVar:

ClinVar aggregate classification (germline): Likely benign (1 of 4 stars; one submission).

Submission:

CeGaT Center for Human Genetics Tuebingen
Classification: Likely benign. Last evaluated: 2022-05-01. Review status: criteria provided, single submitter. Criteria: CeGaT Center For Human Genetics Tuebingen Variant Classification Criteria Version 2. Collection method: clinical testing. Allele origin: germline. Affected: yes. Observed: 1 variant allele.
Comment: FXN: PM2:Supporting, BP4, BP7

NM_000144.5(FXN):c.429T>C (p.Tyr143=)

Gene: FXN (frataxin; plus strand). Cytogenetic location: 9q21.11.
Variant type: single nucleotide variant.
Coding change: c.429T>C on transcript NM_000144.5 (MANE Select); coding-DNA position 429, T replaced by C.
Protein change: p.Tyr143=; no amino-acid change (tyrosine 143 retained).
Molecular consequence: synonymous variant.
Genome position (GRCh38, 1-based): chr9:69,064,982, T>C. VCF-style: chr9-69064982-T-C. GRCh37 (hg19) VCF-style: chr9-71679898-T-C.
Other names: c.429T>C, p.Tyr143= (NM_181425.3).
Identifiers: ClinVar variation 2659239 (VCV002659239.24), dbSNP rs2133127156, ClinGen allele CA465233592.
Genomic context (GRCh38, chr9:69,064,982, plus strand): 5'-CCACCTAATCCCCTAGAGTGGTGTCTTAACTGTCAAACTGGGTGGAGATCTAGGAACCTA[T>C]GTGATCAACAAGCAGACGCCAAACAAGCAAATCTGGCTATCTTCTCCATCCAGGTATGTA-3'
Protein context (NP_000135.2, residues 133-153): TVKLGGDLGT[Tyr143=]VINKQTPNKQ